The following is an entry in ClinVar:

NC_000006.11:g.(?_110087912)_(110088118_?)del

Gene: FIG4 (FIG4 phosphoinositide 5-phosphatase; plus strand). Cytogenetic location: 6q21.
Variant type: Deletion.
Identifiers: ClinVar variation 3246048 (VCV003246048.1).

ClinVar aggregate classification (germline): Pathogenic (1 of 4 stars; one submission).

Conditions:
Charcot-Marie-Tooth disease type 4. Also called: Charcot-Marie-Tooth disease, type IV; Charcot-Marie-Tooth, Type 4. Identifiers: Orphanet 64749, MedGen C4082197, MONDO:0018995.

Submission:

Labcorp Genetics (formerly Invitae), Labcorp
Classification: Pathogenic for Charcot-Marie-Tooth disease type 4. Last evaluated: 2022-06-15. Review status: criteria provided, single submitter. Criteria: Invitae Variant Classification Sherloc (09022015). Collection method: clinical testing. Allele origin: unknown.
Comment: For these reasons, this variant has been classified as Pathogenic. A similar copy number variant has been observed in individual(s) with clinical features of Charcot-Marie-Tooth disease (Invitae). This variant is a gross deletion of the genomic region encompassing exon(s) 15 of the FIG4 gene. This deletion is out-of-frame, and is expected to create a premature termination codon and result in an absent or disrupted protein product. Loss-of-function variants in FIG4 are known to be pathogenic (PMID: 23623387).

Literature cited by the submitters: PubMed 23623387.